The following is an entry in ClinVar:

ClinVar aggregate classification (germline): Uncertain significance (1 of 4 stars; one submission).

Conditions:
Hereditary spastic paraplegia 7 (SPG7). Also called: SPASTIC PARAPLEGIA 7, AUTOSOMAL RECESSIVE, WITH OR WITHOUT CEREBELLAR ATAXIA; SPG7-related neurologic disorder; Spastic paraplegia 7; Hereditary spastic paraplegia Paraplegin type; Autosomal recessive spastic paraplegia type 7. Identifiers: Orphanet 99013, MedGen C1846564, MONDO:0011803, OMIM 607259.

gnomAD v4.1: 40 of 1,607,950 alleles (0.0025%); highest among the groups gnomAD compares: Non-Finnish European, 0.0029%; no homozygotes.

Submission:

Labcorp Genetics (formerly Invitae), Labcorp
Classification: Uncertain significance for Hereditary spastic paraplegia 7. Last evaluated: 2024-12-02. Review status: criteria provided, single submitter. Criteria: Invitae Variant Classification Sherloc (09022015). Collection method: clinical testing. Allele origin: germline.
Comment: This sequence change replaces glutamine, which is neutral and polar, with glutamic acid, which is acidic and polar, at codon 726 of the SPG7 protein (p.Gln726Glu). This variant is present in population databases (rs370973066, gnomAD 0.003%). This variant has not been reported in the literature in individuals affected with SPG7-related conditions. Invitae Evidence Modeling of protein sequence and biophysical properties (such as structural, functional, and spatial information, amino acid conservation, physicochemical variation, residue mobility, and thermodynamic stability) indicates that this missense variant is not expected to disrupt SPG7 protein function with a negative predictive value of 80%. In summary, the available evidence is currently insufficient to determine the role of this variant in disease. Therefore, it has been classified as a Variant of Uncertain Significance.

NM_003119.4(SPG7):c.2176C>G (p.Gln726Glu)

Gene: SPG7 (SPG7 matrix AAA peptidase subunit, paraplegin; plus strand). Cytogenetic location: 16q24.3.
Variant type: single nucleotide variant.
Coding change: c.2176C>G on transcript NM_003119.4 (MANE Select); coding-DNA position 2176, C replaced by G.
Protein change: p.Gln726Glu; replaces glutamine 726 with glutamic acid.
Molecular consequence: missense variant.
Genome position (GRCh38, 1-based): chr16:89,554,558, C>G. VCF-style: chr16-89554558-C-G. GRCh37 (hg19) VCF-style: chr16-89620966-C-G.
Other names: c.2176C>G, p.Gln726Glu (NM_001363850.1); short protein forms Q726E.
Identifiers: ClinVar variation 3625397 (VCV003625397.2).